The following is an entry in ClinVar:

ClinVar aggregate classification (germline): Conflicting classifications of pathogenicity. Review status: criteria provided, conflicting classifications (1 of 4 stars). 7 submissions from 7 submitters: Uncertain significance (6); Likely benign (1). Last evaluated 2026-01-28.

Conditions:
Global developmental delay - lung cysts - overgrowth - Wilms tumor syndrome. Also called: GLOW Syndrome; GLOBAL DEVELOPMENTAL DELAY, LUNG CYSTS, OVERGROWTH, AND WILMS TUMOR. Identifiers: Orphanet 404476, MedGen C4748924, MONDO:0018445, OMIM 618272.
DICER1-related tumor predisposition. Also called: DICER1-related pleuropulmonary blastoma cancer predisposition syndrome; DICER1 syndrome. Identifiers: Orphanet 284343, MedGen C3839822, MONDO:0100216.
Rhabdomyosarcoma, embryonal, 2 (RMSE2). Identifiers: MedGen C1867234, MONDO:0859046, OMIM 180295.
Euthyroid goiter (MNG1). Also called: Goiter, multinodular 1, with or without Sertoli-Leydig cell tumors; GOITER, NONTOXIC, WITH INTRATHYROIDAL CALCIFICATION; MULTINODULAR GOITER, ADOLESCENT; SIMPLE GOITER. Identifiers: Orphanet 276399, MedGen C0302859, MONDO:0007681, OMIM 138800, HP:0009798.
Hereditary cancer-predisposing syndrome. Also called: Tumor predisposition; Neoplastic Syndromes, Hereditary; Hereditary Cancer Syndrome; Hereditary neoplastic syndrome. Identifiers: Orphanet 140162, MedGen C0027672, MeSH D009386, MONDO:0015356.

Allele frequency attached by ClinVar (database versions not stated): 1000 Genomes Project below 0.00001; gnomAD 0.00001; TOPMed 0.00002; gnomAD exomes 0.00003 and 0.00004; ExAC 0.00005.
gnomAD v4.1: 50 of 1,613,432 alleles (0.0031%); highest among the groups gnomAD compares: Admixed American, 0.005%; no homozygotes.

Submissions (7):

Labcorp Genetics (formerly Invitae), Labcorp
Classification: Likely benign for DICER1-related tumor predisposition. Last evaluated: 2026-01-28. Review status: criteria provided, single submitter. Criteria: Invitae Variant Classification Sherloc (09022015). Collection method: clinical testing. Allele origin: germline.

Hereditary Cancer Group, L’Institut d'Investigació Biomèdica de Bellvitge
Classification: Uncertain significance for Hereditary cancer-predisposing syndrome. Last evaluated: 2024-12-19. Review status: criteria provided, single submitter. Criteria: Hatton et al. (Hum Mutat. 2023). Collection method: clinical testing. Allele origin: germline. Inheritance: Autosomal dominant inheritance. Affected: yes.
Comment: BP4

Ambry Genetics
Classification: Uncertain significance for Hereditary cancer-predisposing syndrome. Last evaluated: 2024-08-28. Review status: criteria provided, single submitter. Criteria: Ambry Variant Classification Scheme 2023. Collection method: clinical testing. Allele origin: germline.
Comment: The p.I846V variant (also known as c.2536A>G), located in coding exon 15 of the DICER1 gene, results from an A to G substitution at nucleotide position 2536. The isoleucine at codon 846 is replaced by valine, an amino acid with highly similar properties. This amino acid position is well conserved in available vertebrate species; however, valine is the reference amino acid in other vertebrate species. In addition, this alteration is predicted to be tolerated by in silico analysis. Since supporting evidence is limited at this time, the clinical significance of this alteration remains unclear.

GeneDx
Classification: Uncertain significance. Last evaluated: 2024-08-28. Review status: criteria provided, single submitter. Criteria: GeneDx Variant Classification Process June 2021. Collection method: clinical testing. Allele origin: germline. Affected: yes.
Comment: In silico analysis indicates that this missense variant does not alter protein structure/function; Has not been previously published as pathogenic or benign to our knowledge

Baylor Genetics
Classification: Uncertain significance for Global developmental delay - lung cysts - overgrowth - Wilms tumor syndrome. Last evaluated: 2024-01-05. Review status: criteria provided, single submitter. Criteria: ACMG Guidelines, 2015. Collection method: clinical testing. Allele origin: unknown.

Sema4
Classification: Uncertain significance for Hereditary cancer-predisposing syndrome. Last evaluated: 2021-08-18. Review status: criteria provided, single submitter. Criteria: Sema4 Curation Guidelines. Collection method: curation. Allele origin: germline.
Comment: To the best of our knowledge, the DICER1 c.2536A>G (p.I846V) variant has not been reported in individuals with DICER1-related disease. It was observed in 3/34592 chromosomes of the Latino subpopulation in the large and broad cohorts of the Genome Aggregation Database (PMID: 32461654). The variant has been reported in ClinVar (Variation ID 477106). Functional studies have not been performed, and in silico predictions of the variant's effect on protein function are inconclusive. The evidence is insufficient to meet ACMG/AMP criteria for classifying the variant as benign or pathogenic. Thus, the clinical significance of this variant is currently uncertain.

Fulgent Genetics
Classification: Uncertain significance for Euthyroid goiter; Rhabdomyosarcoma, embryonal, 2; Pleuropulmonary blastoma. Last evaluated: 2018-10-31. Review status: criteria provided, single submitter. Criteria: ACMG Guidelines, 2015. Collection method: clinical testing. Allele origin: unknown.

NM_177438.3(DICER1):c.2536A>G (p.Ile846Val)

Gene: DICER1 (dicer 1, ribonuclease III; minus strand). Cytogenetic location: 14q32.13.
Variant type: single nucleotide variant.
Coding change: c.2536A>G on transcript NM_177438.3 (MANE Select); coding-DNA position 2536, A replaced by G.
Protein change: p.Ile846Val; replaces isoleucine 846 with valine.
Molecular consequence: missense variant.
Genome position (GRCh38, 1-based): chr14:95,107,994, T>C on the plus strand (A>G on the coding strand, the complement: DICER1 is on the minus strand). VCF-style: chr14-95107994-T-C. GRCh37 (hg19) VCF-style: chr14-95574331-T-C.
Other names: c.2536A>G, p.Ile846Val (NM_001195573.1, NM_001271282.3, NM_001291628.2 and 1 more transcripts); short protein forms I846V.
Identifiers: ClinVar variation 477106 (VCV000477106.23), dbSNP rs201212908, ClinGen allele CA7331225.